The following is an entry in ClinVar:

NM_032122.5(DTNBP1):c.488+18G>A

Gene: DTNBP1 (dystrobrevin binding protein 1; minus strand). Cytogenetic location: 6p22.3.
Variant type: single nucleotide variant.
Coding change: c.488+18G>A on transcript NM_032122.5 (MANE Select); 18 bases into the intron after coding-DNA position 488, G replaced by A.
Molecular consequence: intron variant.
Genome position (GRCh38, 1-based): chr6:15,615,249, C>T on the plus strand (G>A on the coding strand, the complement: DTNBP1 is on the minus strand). VCF-style: chr6-15615249-C-T. GRCh37 (hg19) VCF-style: chr6-15615480-C-T.
Other names: c.383+18G>A (NM_001271669.2); c.437+18G>A (NM_001271668.2); c.245+18G>A (NM_001271667.2); c.488+18G>A (NM_183040.2).
Identifiers: ClinVar variation 1032266 (VCV001032266.2), dbSNP rs746234584, ClinGen allele CA3644121.

ClinVar aggregate classification (germline): Conflicting classifications of pathogenicity. Review status: criteria provided, conflicting classifications (1 of 4 stars). 2 submissions from 2 submitters: Uncertain significance (1); Likely benign (1). Last evaluated 2025-04-17.

Conditions:
Hermansky-Pudlak syndrome 7 (HPS7). Identifiers: Orphanet 231531, Orphanet 79430, MedGen C3279756, MONDO:0013559, OMIM 614076.

Allele frequency attached by ClinVar (database versions not stated): gnomAD 0.00001; gnomAD exomes 0.00001 and 0.00002; TOPMed 0.00001; ExAC 0.00002.
gnomAD v4.1: 12 of 1,613,996 alleles (0.00074%); highest among the groups gnomAD compares: East Asian, 0.022%; no homozygotes.

Submissions (2):

Labcorp Genetics (formerly Invitae), Labcorp
Classification: Likely benign. Last evaluated: 2025-04-17. Review status: criteria provided, single submitter. Criteria: Invitae Variant Classification Sherloc (09022015). Collection method: clinical testing. Allele origin: germline.

Baylor Genetics
Classification: Uncertain significance for Hermansky-Pudlak syndrome 7. Last evaluated: 2018-03-15. Review status: criteria provided, single submitter. Criteria: ACMG Guidelines, 2015. Collection method: clinical testing. Allele origin: unknown. Affected: yes.
Comment: This variant was determined to be of uncertain significance according to ACMG Guidelines, 2015 [PMID:25741868].